The following is an entry in ClinVar:

NM_001365951.3(KIF1B):c.4832A>T (p.Asp1611Val)

Gene: KIF1B (kinesin family member 1B; plus strand). Cytogenetic location: 1p36.22.
Variant type: single nucleotide variant.
Coding change: c.4832A>T on transcript NM_001365951.3 (MANE Select); coding-DNA position 4832, A replaced by T.
Protein change: p.Asp1611Val; replaces aspartic acid 1611 with valine.
Molecular consequence: missense variant.
Genome position (GRCh38, 1-based): chr1:10,371,148, A>T. VCF-style: chr1-10371148-A-T. GRCh37 (hg19) VCF-style: chr1-10431206-A-T.
Other names: c.4832A>T, p.Asp1611Val (NM_001365952.1); c.4694A>T, p.Asp1565Val (NM_015074.3); short protein forms D1565V, D1611V.
Identifiers: ClinVar variation 3226513 (VCV003226513.1), dbSNP rs1638721132, ClinGen allele CA338327174.

ClinVar aggregate classification (germline): Uncertain significance (1 of 4 stars; one submission).

Allele frequency attached by ClinVar (database versions not stated): gnomAD exomes below 0.00001; gnomAD 0.00001.
gnomAD v4.1: 5 of 1,613,900 alleles (0.00031%); highest among the groups gnomAD compares: Non-Finnish European, 0.00042%; no homozygotes.

Submission:

Ambry Genetics
Classification: Uncertain significance. Last evaluated: 2023-12-29. Review status: criteria provided, single submitter. Criteria: Ambry Variant Classification Scheme 2023. Collection method: clinical testing. Allele origin: germline.
Comment: The p.D1565V variant (also known as c.4694A>T), located in coding exon 42 of the KIF1B gene, results from an A to T substitution at nucleotide position 4694. The aspartic acid at codon 1565 is replaced by valine, an amino acid with highly dissimilar properties. This amino acid position is conserved. In addition, the in silico prediction for this alteration is inconclusive. Since supporting evidence is limited at this time, the clinical significance of this alteration remains unclear.